The following is an entry in ClinVar:

NM_001734.5(C1S):c.537A>G (p.Val179=)

Gene: C1S (complement C1s; plus strand). Cytogenetic location: 12p13.31.
Variant type: single nucleotide variant.
Coding change: c.537A>G on transcript NM_001734.5 (MANE Select); coding-DNA position 537, A replaced by G.
Protein change: p.Val179=; no amino-acid change (valine 179 retained).
Molecular consequence: synonymous variant.
Genome position (GRCh38, 1-based): chr12:7,065,119, A>G. VCF-style: chr12-7065119-A-G. GRCh37 (hg19) VCF-style: chr12-7172423-A-G.
Other names: c.36A>G, p.Val12= (NM_001346850.2); c.537A>G, p.Val179= (NM_201442.4).
Identifiers: ClinVar variation 1588108 (VCV001588108.12), dbSNP rs149505514, ClinGen allele CA6423492.

ClinVar aggregate classification (germline): Likely benign. Review status: criteria provided, multiple submitters, no conflicts (2 of 4 stars). 2 submissions from 2 submitters: Likely benign (2). Last evaluated 2026-01-01.

Allele frequency attached by ClinVar (database versions not stated): gnomAD exomes below 0.00001; TOPMed below 0.00001; ExAC 0.00001; ESP Exome Variant Server 0.00008.

Submissions (2):

CeGaT Center for Human Genetics Tuebingen
Classification: Likely benign. Last evaluated: 2026-01-01. Review status: criteria provided, single submitter. Criteria: CeGaT Center For Human Genetics Tuebingen Variant Classification Criteria Version 2. Collection method: clinical testing. Allele origin: germline. Affected: yes. Observed: 1 variant allele.
Comment: C1S: PM2:Supporting, BP4, BP7

Labcorp Genetics (formerly Invitae), Labcorp
Classification: Likely benign. Last evaluated: 2025-08-12. Review status: criteria provided, single submitter. Criteria: Invitae Variant Classification Sherloc (09022015). Collection method: clinical testing. Allele origin: germline.